The following is an entry in ClinVar:

ClinVar aggregate classification (germline): Likely pathogenic (1 of 4 stars; one submission).

Conditions:
Bethlem myopathy 2 (BTHLM2). Identifiers: Orphanet 536516, Orphanet 610, MedGen C4225313, MONDO:0034022, OMIM 616471.

Submission:

3billion
Classification: Likely pathogenic for Bethlem myopathy 2. Last evaluated: 2024-12-31. Review status: criteria provided, single submitter. Criteria: ACMG Guidelines, 2015. Collection method: clinical testing. Allele origin: germline. Affected: yes.
Comment: The variant is not observed in the gnomAD v4.1.0 dataset. Predicted Consequence/Location: Canonical splice site: predicted to alter splicing and result in a loss or disruption of normal protein function. Multiple pathogenic loss-of-function variants are reported downstream of the variant. In silico tools predict the variant to alter splicing and produce an abnormal transcript [SpliceAI: 0.98 (spliceogenicity >=0.2, non-spliceogenicity <0.1)]. Therefore, this variant is classified as Likely pathogenic according to the recommendation of ACMG/AMP guideline.

NM_004370.6(COL12A1):c.4827+1G>T

Gene: COL12A1 (collagen type XII alpha 1 chain; minus strand). Cytogenetic location: 6q13.
Variant type: single nucleotide variant.
Coding change: c.4827+1G>T on transcript NM_004370.6 (MANE Select); the canonical splice donor site of the intron after coding-DNA position 4827, G replaced by T.
Molecular consequence: splice donor variant.
Genome position (GRCh38, 1-based): chr6:75,143,251, C>A on the plus strand (G>T on the coding strand, the complement: COL12A1 is on the minus strand). VCF-style: chr6-75143251-C-A. GRCh37 (hg19) VCF-style: chr6-75852967-C-A.
Other names: c.1335+1G>T (NM_001424116.1, NM_080645.3); c.4554+1G>T (NM_001424115.1); c.4827+1G>T (NM_001424114.1, NM_001424113.1).
Identifiers: ClinVar variation 4292250 (VCV004292250.1).
Genomic context (GRCh38, chr6:75,143,251, plus strand): 5'-TCTTTTTTTAAACCTACTAGGAAAACAAATATTTTCATATCTACTATCATCTTCAACCTA[C>A]CTCTTTGACATCCTCTTCTGGTGTTTTGTATCGAACAATATATTTACGCACTTTTCCAGG-3'